The following is an entry in ClinVar:

ClinVar aggregate classification (germline): Pathogenic (1 of 4 stars; one submission).

Submission:

Labcorp Genetics (formerly Invitae), Labcorp
Classification: Pathogenic. Last evaluated: 2023-03-02. Review status: criteria provided, single submitter. Criteria: Invitae Variant Classification Sherloc (09022015). Collection method: clinical testing. Allele origin: germline.
Comment: This sequence change creates a premature translational stop signal (p.Ser1196*) in the LTBP4 gene. It is expected to result in an absent or disrupted protein product. Loss-of-function variants in LTBP4 are known to be pathogenic (PMID: 19836010, 22829427). This variant is not present in population databases (gnomAD no frequency). This variant has not been reported in the literature in individuals affected with LTBP4-related conditions. Algorithms developed to predict the effect of sequence changes on RNA splicing suggest that this variant may disrupt the consensus splice site. For these reasons, this variant has been classified as Pathogenic.

Literature cited by the submitters: PubMed 19836010; PubMed 22829427.

NM_001042545.2(LTBP4):c.3497C>A (p.Ser1166Ter)

Gene: LTBP4 (latent transforming growth factor beta binding protein 4; plus strand). Cytogenetic location: 19q13.2.
Variant type: single nucleotide variant.
Coding change: c.3497C>A on transcript NM_001042545.2 (MANE Select); coding-DNA position 3497, C replaced by A.
Protein change: p.Ser1166Ter; replaces serine 1166 with a stop codon.
Molecular consequence: nonsense.
Genome position (GRCh38, 1-based): chr19:40,622,962, C>A. VCF-style: chr19-40622962-C-A. GRCh37 (hg19) VCF-style: chr19-41128867-C-A.
Other names: c.3698C>A, p.Ser1233Ter (NM_001042544.1); c.3587C>A, p.Ser1196Ter (NM_003573.2); short protein forms S1196*, S1233*, S1166*.
Identifiers: ClinVar variation 2842177 (VCV002842177.3), dbSNP rs2515384166, ClinGen allele CA405907236.